The following is an entry in ClinVar:

NM_020163.3(SEMA3G):c.1527C>T (p.Gly509=)

Gene: SEMA3G (semaphorin 3G; minus strand). Cytogenetic location: 3p21.1.
Variant type: single nucleotide variant.
Coding change: c.1527C>T on transcript NM_020163.3 (MANE Select); coding-DNA position 1527, C replaced by T.
Protein change: p.Gly509=; no amino-acid change (glycine 509 retained).
Molecular consequence: synonymous variant.
Genome position (GRCh38, 1-based): chr3:52,438,182, G>A on the plus strand (C>T on the coding strand, the complement: SEMA3G is on the minus strand). VCF-style: chr3-52438182-G-A. GRCh37 (hg19) VCF-style: chr3-52472198-G-A.
Identifiers: ClinVar variation 3355868 (VCV003355868.1).

ClinVar aggregate classification (germline): Likely benign (0 of 4 stars; one submission).

Conditions:
SEMA3G-related disorder. Also called: SEMA3G-related condition.

gnomAD v4.1: 9 of 1,613,018 alleles (0.00056%); highest among the groups gnomAD compares: African/African-American, 0.004%; no homozygotes.

Submission:

PreventionGenetics, part of Exact Sciences
Classification: Likely benign for SEMA3G-related condition. Last evaluated: 2023-03-03. Review status: no assertion criteria provided. Collection method: clinical testing. Allele origin: germline.
Comment: This variant is classified as likely benign based on ACMG/AMP sequence variant interpretation guidelines (Richards et al. 2015 PMID: 25741868, with internal and published modifications).